The following is an entry in ClinVar:

NM_001371623.1(TCOF1):c.3546C>T (p.Thr1182=)

Gene: TCOF1 (treacle ribosome biogenesis factor 1; plus strand). Cytogenetic location: 5q32.
Variant type: single nucleotide variant.
Coding change: c.3546C>T on transcript NM_001371623.1 (MANE Select); coding-DNA position 3546, C replaced by T.
Protein change: p.Thr1182=; no amino-acid change (threonine 1182 retained).
Molecular consequence: synonymous variant.
Genome position (GRCh38, 1-based): chr5:150,392,733, C>T. VCF-style: chr5-150392733-C-T. GRCh37 (hg19) VCF-style: chr5-149772296-C-T.
Other names: c.3543C>T (NM_001135243.1); c.3312C>T, p.Thr1104= (NM_000356.4); c.3543C>T, p.Thr1181= (NM_001135243.2); c.3432C>T, p.Thr1144= (NM_001135244.2); c.3315C>T, p.Thr1105= (NM_001135245.2); c.3429C>T, p.Thr1143= (NM_001195141.2).
Identifiers: ClinVar variation 1920769 (VCV001920769.8), dbSNP rs192773733, ClinGen allele CA3511537.

ClinVar aggregate classification (germline): Benign/Likely benign. Review status: criteria provided, multiple submitters, no conflicts (2 of 4 stars). 3 submissions from 3 submitters: Benign (1); Likely benign (1). 1 of the submissions does not count toward it. Last evaluated 2025-07-01.

Conditions:
Treacher Collins syndrome 1 (TCS1). Also called: TCOF1-Related Treacher Collins Syndrome. Identifiers: Orphanet 861, MedGen CN315775, MONDO:0007944, OMIM 154500.
TCOF1-related disorder. Also called: TCOF1-related condition.

Allele frequency attached by ClinVar (database versions not stated): ESP Exome Variant Server 0.00008; gnomAD 0.00011; TOPMed 0.00011; 1000 Genomes Project 30x 0.00016; 1000 Genomes Project 0.00020.
gnomAD v4.1: 316 of 1,614,100 alleles (0.02%); highest among the groups gnomAD compares: Non-Finnish European, 0.025%; no homozygotes.

Submissions (3):

Labcorp Genetics (formerly Invitae), Labcorp
Classification: Likely benign for Treacher Collins syndrome 1. Last evaluated: 2025-07-01. Review status: criteria provided, single submitter. Criteria: Invitae Variant Classification Sherloc (09022015). Collection method: clinical testing. Allele origin: germline.

Blueprint Genetics
Classification: Benign. Last evaluated: 2024-11-01. Review status: criteria provided, single submitter. Criteria: ACMG Guidelines, 2015. Collection method: clinical testing. Allele origin: germline.

PreventionGenetics, part of Exact Sciences
Classification: Likely benign for TCOF1-related condition. Last evaluated: 2024-02-09. Review status: no assertion criteria provided. Collection method: clinical testing. Allele origin: germline. Not counted in ClinVar's aggregate classification.
Comment: This variant is classified as likely benign based on ACMG/AMP sequence variant interpretation guidelines (Richards et al. 2015 PMID: 25741868, with internal and published modifications).